The following is an entry in ClinVar:

NM_001748.5(CAPN2):c.585A>G (p.Leu195=)

Gene: CAPN2 (calpain 2; plus strand). Cytogenetic location: 1q41.
Variant type: single nucleotide variant.
Coding change: c.585A>G on transcript NM_001748.5 (MANE Select); coding-DNA position 585, A replaced by G.
Protein change: p.Leu195=; no amino-acid change (leucine 195 retained).
Molecular consequence: synonymous variant.
Genome position (GRCh38, 1-based): chr1:223,747,021, A>G. VCF-style: chr1-223747021-A-G. GRCh37 (hg19) VCF-style: chr1-223934723-A-G.
Other names: c.351A>G, p.Leu117= (NM_001146068.2).
Identifiers: ClinVar variation 2639920 (VCV002639920.23), dbSNP rs761588429, ClinGen allele CA1411705.
Genomic context (GRCh38, chr1:223,747,021, plus strand): 5'-TCAAGGGTAGCGGCAGCGTCTAATCCCCTCTTGTAGGATCAACGGATGCTATGAAGCGCT[A>G]TCAGGGGGTGCCACCACTGAGGGCTTCGAAGACTTCACCGGAGGCATTGCTGAGTGGTAT-3'
Protein context (NP_001739.3, residues 185-205): YAKINGCYEA[Leu195=]SGGATTEGFE

ClinVar aggregate classification (germline): Likely benign (1 of 4 stars; one submission).

gnomAD v4.1: 49 of 1,613,796 alleles (0.003%); highest among the groups gnomAD compares: Non-Finnish European, 0.0019%; no homozygotes.

Submission:

CeGaT Center for Human Genetics Tuebingen
Classification: Likely benign. Last evaluated: 2022-05-01. Review status: criteria provided, single submitter. Criteria: CeGaT Center For Human Genetics Tuebingen Variant Classification Criteria Version 2. Collection method: clinical testing. Allele origin: germline. Affected: yes. Observed: 1 variant allele.
Comment: CAPN2: BP4, BP7